The following is an entry in ClinVar:

ClinVar aggregate classification (germline): Uncertain significance (1 of 4 stars; one submission).

Conditions:
Nephronophthisis 16 (NPHP16). Identifiers: Orphanet 655, MedGen C3809320, MONDO:0014158, OMIM 615382.

Allele frequency attached by ClinVar (database versions not stated): gnomAD 0.00001; ExAC 0.00002; TOPMed 0.00004.
gnomAD v4.1: 22 of 1,613,502 alleles (0.0014%); highest among the groups gnomAD compares: Admixed American, 0.033%; no homozygotes.

Submission:

Labcorp Genetics (formerly Invitae), Labcorp
Classification: Uncertain significance for Nephronophthisis 16. Last evaluated: 2022-11-15. Review status: criteria provided, single submitter. Criteria: Invitae Variant Classification Sherloc (09022015). Collection method: clinical testing. Allele origin: germline.
Comment: In summary, the available evidence is currently insufficient to determine the role of this variant in disease. Therefore, it has been classified as a Variant of Uncertain Significance. Algorithms developed to predict the effect of missense changes on protein structure and function are either unavailable or do not agree on the potential impact of this missense change (SIFT: "Tolerated"; PolyPhen-2: "Possibly Damaging"; Align-GVGD: "Class C0"). This variant has not been reported in the literature in individuals affected with ANKS6-related conditions. This variant is present in population databases (rs777640019, gnomAD 0.05%). This sequence change replaces histidine, which is basic and polar, with leucine, which is neutral and non-polar, at codon 758 of the ANKS6 protein (p.His758Leu).

NM_173551.5(ANKS6):c.2273A>T (p.His758Leu)

Gene: ANKS6 (ankyrin repeat and sterile alpha motif domain containing 6; minus strand). Cytogenetic location: 9q22.33.
Variant type: single nucleotide variant.
Coding change: c.2273A>T on transcript NM_173551.5 (MANE Select); coding-DNA position 2273, A replaced by T.
Protein change: p.His758Leu; replaces histidine 758 with leucine.
Molecular consequence: missense variant.
Genome position (GRCh38, 1-based): chr9:98,756,473, T>A on the plus strand (A>T on the coding strand, the complement: ANKS6 is on the minus strand). VCF-style: chr9-98756473-T-A. GRCh37 (hg19) VCF-style: chr9-101518755-T-A.
Other names: short protein forms H758L.
Identifiers: ClinVar variation 1972257 (VCV001972257.5), dbSNP rs777640019, ClinGen allele CA5153211.